The following is an entry in ClinVar:

NM_002734.5(PRKAR1A):c.862C>T (p.Pro288Ser)

Gene: PRKAR1A (protein kinase cAMP-dependent type I regulatory subunit alpha; plus strand). Cytogenetic location: 17q24.2.
Variant type: single nucleotide variant.
Coding change: c.862C>T on transcript NM_002734.5 (MANE Select); coding-DNA position 862, C replaced by T.
Protein change: p.Pro288Ser; replaces proline 288 with serine.
Molecular consequence: missense variant.
Genome position (GRCh38, 1-based): chr17:68,528,962, C>T. VCF-style: chr17-68528962-C-T. GRCh37 (hg19) VCF-style: chr17-66525103-C-T.
Other names: c.862C>T, p.Pro288Ser (NM_001276289.2, NM_001276290.1, NM_001278433.2 and 4 more transcripts); short protein forms P288S.
Identifiers: ClinVar variation 1764091 (VCV001764091.8), dbSNP rs1413778575, ClinGen allele CA400753991.

ClinVar aggregate classification (germline): Uncertain significance. Review status: criteria provided, multiple submitters, no conflicts (2 of 4 stars). 2 submissions from 2 submitters: Uncertain significance (2). Last evaluated 2025-07-30.

Conditions:
Hereditary cancer-predisposing syndrome. Also called: Neoplastic Syndromes, Hereditary; Tumor predisposition; Hereditary Cancer Syndrome; Hereditary neoplastic syndrome. Identifiers: Orphanet 140162, MedGen C0027672, MeSH D009386, MONDO:0015356.
Carney complex, type 1 (CNC1). Also called: CARNEY MYXOMA-ENDOCRINE COMPLEX; CARNEY COMPLEX, TYPE I. Identifiers: Orphanet 1359, MedGen C2607929, MONDO:0008057, OMIM 160980.

gnomAD v4.1: 2 of 1,613,764 alleles (0.00012%); highest among the groups gnomAD compares: Non-Finnish European, 0.00017%; no homozygotes.

Submissions (2):

Labcorp Genetics (formerly Invitae), Labcorp
Classification: Uncertain significance for Carney complex, type 1. Last evaluated: 2025-07-30. Review status: criteria provided, single submitter. Criteria: Invitae Variant Classification Sherloc (09022015). Collection method: clinical testing. Allele origin: germline.
Comment: This sequence change replaces proline, which is neutral and non-polar, with serine, which is neutral and polar, at codon 288 of the PRKAR1A protein (p.Pro288Ser). This variant is not present in population databases (gnomAD no frequency). This variant has not been reported in the literature in individuals affected with PRKAR1A-related conditions. ClinVar contains an entry for this variant (Variation ID: 1764091). Invitae Evidence Modeling of protein sequence and biophysical properties (such as structural, functional, and spatial information, amino acid conservation, physicochemical variation, residue mobility, and thermodynamic stability) indicates that this missense variant is not expected to disrupt PRKAR1A protein function with a negative predictive value of 95%. In summary, the available evidence is currently insufficient to determine the role of this variant in disease. Therefore, it has been classified as a Variant of Uncertain Significance.

Ambry Genetics
Classification: Uncertain significance for Hereditary cancer-predisposing syndrome. Last evaluated: 2024-11-18. Review status: criteria provided, single submitter. Criteria: Ambry Variant Classification Scheme 2023. Collection method: clinical testing. Allele origin: germline.
Comment: The p.P288S variant (also known as c.862C>T), located in coding exon 8 of the PRKAR1A gene, results from a C to T substitution at nucleotide position 862. The proline at codon 288 is replaced by serine, an amino acid with similar properties. This amino acid position is conserved. In addition, the in silico prediction for this alteration is inconclusive. Since supporting evidence is limited at this time, the clinical significance of this alteration remains unclear.